The following is an entry in ClinVar:

NM_006514.4(SCN10A):c.5858C>T (p.Ala1953Val)

Gene: SCN10A (sodium voltage-gated channel alpha subunit 10; minus strand). Cytogenetic location: 3p22.2.
Variant type: single nucleotide variant.
Coding change: c.5858C>T on transcript NM_006514.4 (MANE Select); coding-DNA position 5858, C replaced by T.
Protein change: p.Ala1953Val; replaces alanine 1953 with valine.
Molecular consequence: missense variant.
Genome position (GRCh38, 1-based): chr3:38,697,362, G>A on the plus strand (C>T on the coding strand, the complement: SCN10A is on the minus strand). VCF-style: chr3-38697362-G-A. GRCh37 (hg19) VCF-style: chr3-38738853-G-A.
Other names: c.5855C>T, p.Ala1952Val (NM_001293306.2); c.5564C>T, p.Ala1855Val (NM_001293307.2); short protein forms A1952V, A1953V, A1855V.
Identifiers: ClinVar variation 852767 (VCV000852767.8), dbSNP rs770070419, ClinGen allele CA2319583.

ClinVar aggregate classification (germline): Uncertain significance. Review status: criteria provided, multiple submitters, no conflicts (2 of 4 stars). 2 submissions from 2 submitters: Uncertain significance (2). Last evaluated 2025-07-24.

Conditions:
Cardiovascular phenotype. Identifiers: MedGen CN230736.
Brugada syndrome. Also called: Sudden unexpected nocturnal death syndrome; Sudden unexplained nocturnal death syndrome; Sudden Unexplained Death Syndrome; Sudden Unexplained Nocturnal Death Syndrome (SUNDS). Identifiers: Orphanet 130, MedGen C1142166, MONDO:0015263.

Submissions (2):

Ambry Genetics
Classification: Uncertain significance for Cardiovascular phenotype. Last evaluated: 2025-07-24. Review status: criteria provided, single submitter. Criteria: Ambry Variant Classification Scheme 2023. Collection method: clinical testing. Allele origin: germline.
Comment: The p.A1953V variant (also known as c.5858C>T), located in coding exon 27 of the SCN10A gene, results from a C to T substitution at nucleotide position 5858. The alanine at codon 1953 is replaced by valine, an amino acid with similar properties. This amino acid position is conserved. In addition, this alteration is predicted to be tolerated by in silico analysis. Since supporting evidence is limited at this time, the clinical significance of this alteration remains unclear.

Labcorp Genetics (formerly Invitae), Labcorp
Classification: Uncertain significance for Brugada syndrome. Last evaluated: 2021-09-01. Review status: criteria provided, single submitter. Criteria: Invitae Variant Classification Sherloc (09022015). Collection method: clinical testing. Allele origin: germline.
Comment: This sequence change replaces alanine with valine at codon 1953 of the SCN10A protein (p.Ala1953Val). The alanine residue is weakly conserved and there is a small physicochemical difference between alanine and valine. This variant is present in population databases (rs770070419, ExAC 0.001%). This variant has not been reported in the literature in individuals affected with SCN10A-related conditions. Algorithms developed to predict the effect of missense changes on protein structure and function (SIFT, PolyPhen-2, Align-GVGD) all suggest that this variant is likely to be tolerated. In summary, the available evidence is currently insufficient to determine the role of this variant in disease. Therefore, it has been classified as a Variant of Uncertain Significance.